The following is an entry in ClinVar:

ClinVar aggregate classification (germline): Uncertain significance (1 of 4 stars; one submission).

Conditions:
BBS9-related disorder. Also called: BBS9-related condition.

Submission:

PreventionGenetics, part of Exact Sciences
Classification: Uncertain significance for BBS9-related condition. Last evaluated: 2025-03-30. Review status: criteria provided, single submitter. Criteria: ACMG Guidelines, 2015. Collection method: clinical testing. Allele origin: germline.
Comment: The BBS9 c.2323_2325dupGCC variant is predicted to result in an in-frame duplication (p.Ala775dup). To our knowledge, this variant has not been reported in the literature or in a large population database (gnomAD), indicating this variant is rare. At this time, the clinical significance of this variant is uncertain due to the absence of conclusive functional and genetic evidence.

NM_198428.3(BBS9):c.2320GCC[3] (p.Ala775_Ile776insAla)

Gene: BBS9 (Bardet-Biedl syndrome 9; plus strand). Cytogenetic location: 7p14.3.
Variant type: Microsatellite.
Coding change: c.2320GCC[3] on transcript NM_198428.3 (MANE Select); three copies in a row of the 3-base unit GCC starting at c.2320; the reference has two copies in a row; one copy, 3 bases duplicated.
Protein change: p.Ala775_Ile776insAla.
Molecular consequence: inframe insertion. On other transcripts: non-coding transcript variant (3).
Genome position (GRCh38, 1-based): chr7:33,533,978-33,533,980, GCC duplicated; duplicating any 3 consecutive bases within chr7:33,533,975-33,533,980 gives the same sequence; the position shown is the placement nearest the transcript's 3' end. VCF-style (leftmost placement, unchanged base first): chr7-33533974-T-TGCC. GRCh37 (hg19) VCF-style: chr7-33573586-T-TGCC.
Other names: c.2215GCC[3], p.Ala740_Ile741insAla (NM_001033604.2); c.2305GCC[3], p.Ala770_Ile771insAla (NM_001033605.2); c.2320GCC[3], p.Ala775_Ile776insAla (NM_001348036.1, NM_001348041.4, NM_001348043.3 and 1 more transcripts); c.1771GCC[3], p.Ala592_Ile593insAla (NM_001348037.3); c.2047GCC[3], p.Ala684_Ile685insAla (NM_001348038.3); c.1942GCC[3], p.Ala649_Ile650insAla (NM_001348039.3); c.2200GCC[3], p.Ala735_Ile736insAla (NM_001348040.3, NM_014451.4); c.2185GCC[3], p.Ala730_Ile731insAla (NM_001348042.3); and 2 more.
Identifiers: ClinVar variation 4984480 (VCV004984480.1).